The following is an entry in ClinVar:

ClinVar aggregate classification (germline): Uncertain significance (1 of 4 stars; one submission).

Conditions:
Perlman syndrome (PRLMNS). Identifiers: Orphanet 2849, MedGen C0796113, MONDO:0009965, OMIM 267000.

Allele frequency attached by ClinVar (database versions not stated): gnomAD 0.00001.
gnomAD v4.1: 2 of 1,614,002 alleles (0.00012%); highest among the groups gnomAD compares: East Asian, 0.0022%; no homozygotes.

Submission:

Labcorp Genetics (formerly Invitae), Labcorp
Classification: Uncertain significance for Perlman syndrome. Last evaluated: 2021-11-08. Review status: criteria provided, single submitter. Criteria: Invitae Variant Classification Sherloc (09022015). Collection method: clinical testing. Allele origin: germline.
Comment: This sequence change replaces aspartic acid, which is acidic and polar, with glycine, which is neutral and non-polar, at codon 220 of the DIS3L2 protein (p.Asp220Gly). This variant is present in population databases (rs760490430, gnomAD 0.007%). This variant has not been reported in the literature in individuals affected with DIS3L2-related conditions. Algorithms developed to predict the effect of missense changes on protein structure and function (SIFT, PolyPhen-2, Align-GVGD) all suggest that this variant is likely to be tolerated. In summary, the available evidence is currently insufficient to determine the role of this variant in disease. Therefore, it has been classified as a Variant of Uncertain Significance.

NM_152383.5(DIS3L2):c.659A>G (p.Asp220Gly)

Gene: DIS3L2 (DIS3 like 3'-5' exoribonuclease 2; plus strand). Cytogenetic location: 2q37.1.
Variant type: single nucleotide variant.
Coding change: c.659A>G on transcript NM_152383.5 (MANE Select); coding-DNA position 659, A replaced by G.
Protein change: p.Asp220Gly; replaces aspartic acid 220 with glycine.
Molecular consequence: missense variant. On other transcripts: non-coding transcript variant (2).
Genome position (GRCh38, 1-based): chr2:232,130,676, A>G. VCF-style: chr2-232130676-A-G. GRCh37 (hg19) VCF-style: chr2-232995386-A-G.
Other names: c.659A>G, p.Asp220Gly (NM_001257281.2, NM_001257282.2); short protein forms D220G.
Identifiers: ClinVar variation 1368310 (VCV001368310.6), dbSNP rs760490430, ClinGen allele CA2163888.